The following is an entry in ClinVar:

NM_001201543.2(FAM161A):c.720G>A (p.Glu240=)

Gene: FAM161A (FAM161 centrosomal protein A; minus strand). Cytogenetic location: 2p15.
Variant type: single nucleotide variant.
Coding change: c.720G>A on transcript NM_001201543.2 (MANE Select); coding-DNA position 720, G replaced by A.
Protein change: p.Glu240=; no amino-acid change (glutamic acid 240 retained).
Molecular consequence: synonymous variant. On other transcripts: non-coding transcript variant (1).
Genome position (GRCh38, 1-based): chr2:61,840,284, C>T on the plus strand (G>A on the coding strand, the complement: FAM161A is on the minus strand). VCF-style: chr2-61840284-C-T. GRCh37 (hg19) VCF-style: chr2-62067419-C-T.
Other names: c.720G>A, p.Glu240= (NM_032180.3).
Identifiers: ClinVar variation 798697 (VCV000798697.13), dbSNP rs750749446, ClinGen allele CA1679298.

ClinVar aggregate classification (germline): Likely benign. Review status: criteria provided, multiple submitters, no conflicts (2 of 4 stars). 4 submissions from 4 submitters: Likely benign (3). 1 of the submissions does not count toward it. Last evaluated 2026-01-11.

Conditions:
FAM161A-related disorder. Also called: FAM161A-related condition.
Retinitis pigmentosa 28 (RP28). Identifiers: Orphanet 791, MedGen C1419614, MONDO:0011630, OMIM 606068.

Allele frequency attached by ClinVar (database versions not stated): ExAC 0.00004; gnomAD 0.00007; gnomAD exomes 0.00007 and 0.00020; TOPMed 0.00009.
gnomAD v4.1: 301 of 1,613,942 alleles (0.019%); highest among the groups gnomAD compares: Non-Finnish European, 0.024%; no homozygotes.

Submissions (4):

Labcorp Genetics (formerly Invitae), Labcorp
Classification: Likely benign. Last evaluated: 2026-01-11. Review status: criteria provided, single submitter. Criteria: Invitae Variant Classification Sherloc (09022015). Collection method: clinical testing. Allele origin: germline.

PreventionGenetics, part of Exact Sciences
Classification: Likely benign for FAM161A-related condition. Last evaluated: 2025-05-14. Review status: criteria provided, single submitter. Criteria: ACMG Guidelines, 2015. Collection method: clinical testing. Allele origin: germline.
Comment: This variant is classified as likely benign based on ACMG/AMP sequence variant interpretation guidelines (Richards et al. 2015 PMID: 25741868, with internal and published modifications).

Blueprint Genetics
Classification: Likely benign. Last evaluated: 2023-12-28. Review status: criteria provided, single submitter. Criteria: ACMG Guidelines, 2015. Collection method: clinical testing. Allele origin: germline.

Natera, Inc.
Classification: Likely benign for Retinitis pigmentosa type 28. Last evaluated: 2020-06-13. Review status: no assertion criteria provided. Collection method: clinical testing. Allele origin: germline. Not counted in ClinVar's aggregate classification.